The following is an entry in ClinVar:

NM_153646.4(SLC24A4):c.*2G>A

Gene: SLC24A4 (solute carrier family 24 member 4; plus strand). Cytogenetic location: 14q32.12.
Variant type: single nucleotide variant.
Coding change: c.*2G>A on transcript NM_153646.4 (MANE Select); 2 bases downstream of the stop codon, G replaced by A.
Molecular consequence: 3 prime UTR variant.
Genome position (GRCh38, 1-based): chr14:92,493,630, G>A. VCF-style: chr14-92493630-G-A. GRCh37 (hg19) VCF-style: chr14-92959974-G-A.
Other names: c.*2G>A (NM_001378620.1, NM_001425254.1, NM_153647.4 and 1 more transcripts).
Identifiers: ClinVar variation 3035864 (VCV003035864.2), dbSNP rs140448666, ClinGen allele CA7316299.

ClinVar aggregate classification (germline): Likely benign (0 of 4 stars; one submission).

Conditions:
SLC24A4-related disorder. Also called: SLC24A4-related condition.

Allele frequency attached by ClinVar (database versions not stated): gnomAD exomes 0.00007; ExAC 0.00019; ESP Exome Variant Server 0.00046; gnomAD 0.00050; 1000 Genomes Project 0.00060; 1000 Genomes Project 30x 0.00062.
gnomAD v4.1: 182 of 1,613,994 alleles (0.011%); highest among the groups gnomAD compares: African/African-American, 0.15%; no homozygotes.

Submission:

PreventionGenetics, part of Exact Sciences
Classification: Likely benign for SLC24A4-related condition. Last evaluated: 2019-08-14. Review status: no assertion criteria provided. Collection method: clinical testing. Allele origin: germline.
Comment: This variant is classified as likely benign based on ACMG/AMP sequence variant interpretation guidelines (Richards et al. 2015 PMID: 25741868, with internal and published modifications).